The following is an entry in ClinVar:

ClinVar aggregate classification (germline): Uncertain significance (1 of 4 stars; one submission).

Conditions:
Familial focal epilepsy with variable foci (FPEVF). Identifiers: Orphanet 98820, MedGen C1858477, MONDO:0020310.

Allele frequency attached by ClinVar (database versions not stated): gnomAD exomes below 0.00001; ExAC 0.00001; TOPMed 0.00001.
gnomAD v4.1: 6 of 1,614,074 alleles (0.00037%); highest among the groups gnomAD compares: East Asian, 0.0022%; no homozygotes.

Submission:

Labcorp Genetics (formerly Invitae), Labcorp
Classification: Uncertain significance for Familial focal epilepsy with variable foci. Last evaluated: 2023-03-18. Review status: criteria provided, single submitter. Criteria: Invitae Variant Classification Sherloc (09022015). Collection method: clinical testing. Allele origin: germline.
Comment: In summary, the available evidence is currently insufficient to determine the role of this variant in disease. Therefore, it has been classified as a Variant of Uncertain Significance. Experimental studies and prediction algorithms are not available or were not evaluated, and the functional significance of this variant is currently unknown. This variant has not been reported in the literature in individuals affected with DEPDC5-related conditions. This variant is present in population databases (rs776322559, gnomAD 0.007%). This sequence change replaces arginine, which is basic and polar, with histidine, which is basic and polar, at codon 1559 of the DEPDC5 protein (p.Arg1559His).

NM_001242896.3(DEPDC5):c.4676G>A (p.Arg1559His)

Gene: DEPDC5 (DEP domain containing 5, GATOR1 subcomplex subunit; plus strand). Cytogenetic location: 22q12.3.
Variant type: single nucleotide variant.
Coding change: c.4676G>A on transcript NM_001242896.3 (MANE Select); coding-DNA position 4676, G replaced by A.
Protein change: p.Arg1559His; replaces arginine 1559 with histidine.
Molecular consequence: missense variant. On other transcripts: non-coding transcript variant (5).
Genome position (GRCh38, 1-based): chr22:31,906,361, G>A. VCF-style: chr22-31906361-G-A. GRCh37 (hg19) VCF-style: chr22-32302347-G-A.
Other names: c.4649G>A, p.Arg1550His (NM_001136029.4); c.4376G>A, p.Arg1459His (NM_001242897.2); c.4610G>A, p.Arg1537His (NM_001363852.2, NM_001364320.2); c.4442G>A, p.Arg1481His (NM_001363854.2, NM_001364319.2); c.4676G>A, p.Arg1559His (NM_001364318.2); c.4592G>A, p.Arg1531His (NM_001369901.1, NM_001369902.1); c.4583G>A, p.Arg1528His (NM_001369903.1, NM_014662.6); short protein forms R1528H, R1559H, R1459H, R1550H, R1537H, R1481H, R1531H.
Identifiers: ClinVar variation 2996646 (VCV002996646.3), dbSNP rs776322559, ClinGen allele CA10197309.
Genomic context (GRCh38, chr22:31,906,361, plus strand): 5'-TCTGCGAGGAGCGGGTCGGCTACAACTGGGCCTACAACACCATGCTCACCAAAACATGGC[G>A]CTCCAGCGCCACAGGGGATGAAAAGTTTGCTGATCGGCTGCTGAAGGACTTCACGGACTT-3'
Protein context (NP_001229825.1, residues 1549-1569): AYNTMLTKTW[Arg1559His]SSATGDEKFA